The following is an entry in ClinVar:

ClinVar aggregate classification (germline): Benign/Likely benign. Review status: criteria provided, multiple submitters, no conflicts (2 of 4 stars). 6 submissions from 6 submitters: Benign (3); Likely benign (3). Last evaluated 2025-12-08.

Conditions:
APP-related disorder. Also called: APP-related condition.
Alzheimer disease. Also called: Alzheimer's disease; Presenile and senile dementia. Identifiers: Orphanet 1020, MedGen C0002395, MeSH D000544, MONDO:0004975, HP:0002511.

Allele frequency attached by ClinVar (database versions not stated): ESP Exome Variant Server 0.00146; gnomAD exomes 0.00014 and 0.00029; ExAC 0.00035; 1000 Genomes Project 30x 0.00094; gnomAD 0.00100 and 0.00106; TOPMed 0.00113; 1000 Genomes Project 0.00120.
gnomAD v4.1: 372 of 1,613,742 alleles (0.023%); highest among the groups gnomAD compares: African/African-American, 0.42%; 4 homozygotes.

Submissions (6):

Labcorp Genetics (formerly Invitae), Labcorp
Classification: Benign for Alzheimer disease. Last evaluated: 2025-12-08. Review status: criteria provided, single submitter. Criteria: Invitae Variant Classification Sherloc (09022015). Collection method: clinical testing. Allele origin: germline.

Women's Health and Genetics/Laboratory Corporation of America, LabCorp
Classification: Likely benign. Last evaluated: 2025-10-28. Review status: criteria provided, single submitter. Criteria: LabCorp Variant Classification Summary - May 2015. Collection method: clinical testing. Allele origin: germline.

PreventionGenetics, part of Exact Sciences
Classification: Likely benign for APP-related condition. Last evaluated: 2024-12-02. Review status: criteria provided, single submitter. Criteria: ACMG Guidelines, 2015. Collection method: clinical testing. Allele origin: germline.
Comment: This variant is classified as likely benign based on ACMG/AMP sequence variant interpretation guidelines (Richards et al. 2015 PMID: 25741868, with internal and published modifications).

Blueprint Genetics
Classification: Likely benign. Last evaluated: 2024-11-01. Review status: criteria provided, single submitter. Criteria: ACMG Guidelines, 2015. Collection method: clinical testing. Allele origin: germline.

Athena Diagnostics
Classification: Benign. Last evaluated: 2019-11-12. Review status: criteria provided, single submitter. Criteria: Athena Diagnostics Criteria. Collection method: clinical testing. Allele origin: unknown.

Breakthrough Genomics
Classification: Benign. Review status: criteria provided, single submitter. Criteria: ACMG Guidelines, 2015. Collection method: not provided. Allele origin: germline. Inheritance: Autosomal dominant inheritance. Affected: yes.

NM_000484.4(APP):c.741C>T (p.Asp247=)

Gene: APP (amyloid beta precursor protein; minus strand). Cytogenetic location: 21q21.3.
Variant type: single nucleotide variant.
Coding change: c.741C>T on transcript NM_000484.4 (MANE Select); coding-DNA position 741, C replaced by T.
Protein change: p.Asp247=; no amino-acid change (aspartic acid 247 retained).
Molecular consequence: synonymous variant.
Genome position (GRCh38, 1-based): chr21:26,021,964, G>A on the plus strand (C>T on the coding strand, the complement: APP is on the minus strand). VCF-style: chr21-26021964-G-A. GRCh37 (hg19) VCF-style: chr21-27394280-G-A.
Other names: c.726C>T, p.Asp242= (NM_001136016.3); c.573C>T, p.Asp191= (NM_001136129.3, NM_001136130.3); c.636C>T, p.Asp212= (NM_001136131.3); c.741C>T, p.Asp247= (NM_001204301.2, NM_001204302.2, NM_001204303.2 and 3 more transcripts).
Identifiers: ClinVar variation 703233 (VCV000703233.15), dbSNP rs148832151, ClinGen allele CA9987576.